The following is an entry in ClinVar:

NM_198578.4(LRRK2):c.4645G>A (p.Asp1549Asn)

Gene: LRRK2 (leucine rich repeat kinase 2; plus strand). Cytogenetic location: 12q12.
Variant type: single nucleotide variant.
Coding change: c.4645G>A on transcript NM_198578.4 (MANE Select); coding-DNA position 4645, G replaced by A.
Protein change: p.Asp1549Asn; replaces aspartic acid 1549 with asparagine.
Molecular consequence: missense variant.
Genome position (GRCh38, 1-based): chr12:40,314,080, G>A. VCF-style: chr12-40314080-G-A. GRCh37 (hg19) VCF-style: chr12-40707882-G-A.
Other names: short protein forms D1549N.
Identifiers: ClinVar variation 1742148 (VCV001742148.3), dbSNP rs1565742982, ClinGen allele CA384418964.
Genomic context (GRCh38, chr12:40,314,080, plus strand): 5'-GAACTTGAAAAAATCATTTTATCGGAGCGTAAAAATGTGCCAATTGAATTTCCCGTAATT[G>A]ACCGGAAACGATTATTACAACTAGTGAGAGAAAATCAGCTGCAGTTAGATGAAAATGAGC-3'
Protein context (NP_940980.4, residues 1539-1559): KNVPIEFPVI[Asp1549Asn]RKRLLQLVRE

ClinVar aggregate classification (germline): Uncertain significance (1 of 4 stars; one submission).

Conditions:
Inborn genetic diseases. Identifiers: MedGen C0950123, MeSH D030342.

gnomAD v4.1: 1 of 1,612,588 alleles (0.000062%); highest among the groups gnomAD compares: Non-Finnish European, 0.000085%; no homozygotes.

Submission:

Ambry Genetics
Classification: Uncertain significance for Inborn genetic diseases. Last evaluated: 2024-08-06. Review status: criteria provided, single submitter. Criteria: Ambry Variant Classification Scheme 2023. Collection method: clinical testing. Allele origin: germline.
Comment: The p.D1549N variant (also known as c.4645G>A), located in coding exon 32 of the LRRK2 gene, results from a G to A substitution at nucleotide position 4645. The aspartic acid at codon 1549 is replaced by asparagine, an amino acid with highly similar properties. This amino acid position is conserved. In addition, this alteration is predicted to be tolerated by in silico analysis. Since supporting evidence is limited at this time, the clinical significance of this alteration remains unclear.